The following is an entry in ClinVar:

NM_001353788.2(APBA2):c.486C>T (p.Asp162=)

Gene: APBA2 (amyloid beta precursor protein binding family A member 2; plus strand). Cytogenetic location: 15q13.1.
Variant type: single nucleotide variant.
Coding change: c.486C>T on transcript NM_001353788.2 (MANE Select); coding-DNA position 486, C replaced by T.
Protein change: p.Asp162=; no amino-acid change (aspartic acid 162 retained).
Molecular consequence: synonymous variant.
Genome position (GRCh38, 1-based): chr15:29,054,370, C>T. VCF-style: chr15-29054370-C-T. GRCh37 (hg19) VCF-style: chr15-29346573-C-T.
Other names: c.486C>T, p.Asp162= (NM_001130414.1, NM_001353789.2, NM_001353790.2 and 7 more transcripts).
Identifiers: ClinVar variation 3040331 (VCV003040331.2), dbSNP rs372649988, ClinGen allele CA7445117.
Genomic context (GRCh38, chr15:29,054,370, plus strand): 5'-GGACTCGGCGGGCCCGCACCCCCACGGCCACGAGGCTGAAGGCAGCCAGGACTACCCAGA[C>T]GGCCAACTGCCCATTCCGGAGGATGAGCCCTCCGTCCTTGAGGCCCATGACCAGGAAGAA-3'
Protein context (NP_001340717.1, residues 152-172): HEAEGSQDYP[Asp162=]GQLPIPEDEP

ClinVar aggregate classification (germline): Likely benign (0 of 4 stars; one submission).

Conditions:
APBA2-related disorder. Also called: APBA2-related condition.

Allele frequency attached by ClinVar (database versions not stated): gnomAD 0.00004; gnomAD exomes 0.00005; TOPMed 0.00009; ESP Exome Variant Server 0.00015; 1000 Genomes Project 30x 0.00031; 1000 Genomes Project 0.00040.
gnomAD v4.1: 76 of 1,614,114 alleles (0.0047%); highest among the groups gnomAD compares: East Asian, 0.049%; no homozygotes.

Submission:

PreventionGenetics, part of Exact Sciences
Classification: Likely benign for APBA2-related condition. Last evaluated: 2019-10-29. Review status: no assertion criteria provided. Collection method: clinical testing. Allele origin: germline.
Comment: This variant is classified as likely benign based on ACMG/AMP sequence variant interpretation guidelines (Richards et al. 2015 PMID: 25741868, with internal and published modifications).